The following is an entry in ClinVar:

ClinVar aggregate classification (germline): Pathogenic/Likely pathogenic. Review status: criteria provided, multiple submitters, no conflicts (2 of 4 stars). 10 submissions from 10 submitters: Pathogenic (5); Likely pathogenic (5). Last evaluated 2026-06-01.

Conditions:
Familial adenomatous polyposis 3. Also called: NTHL1-Related Adenomatous Polyposis and Colorectal Cancer; NTHL1-related attenuated familial adenomatous polyposis; NTHL1 Tumor Syndrome; NTHL1-associated polyposis. Identifiers: Orphanet 220460, Orphanet 454840, MedGen C4225157, MONDO:0014630, OMIM 616415.
Hereditary cancer-predisposing syndrome. Also called: Neoplastic Syndromes, Hereditary; Hereditary Cancer Syndrome; Tumor predisposition; Hereditary neoplastic syndrome. Identifiers: Orphanet 140162, MedGen C0027672, MeSH D009386, MONDO:0015356.
NTHL1-related disorder. Also called: NTHL1-related condition; NTHL1-related conditions.

Allele frequency attached by ClinVar (database versions not stated): gnomAD exomes 0.00001 and 0.00002; ExAC 0.00002; gnomAD 0.00004; TOPMed 0.00005.

Submissions (10):

CeGaT Center for Human Genetics Tuebingen
Classification: Likely pathogenic. Last evaluated: 2026-06-01. Review status: criteria provided, single submitter. Criteria: CeGaT Center For Human Genetics Tuebingen Variant Classification Criteria Version 2. Collection method: clinical testing. Allele origin: germline. Affected: yes. Observed: 1 variant allele.
Comment: NTHL1: PVS1:Strong, PM2

GeneDx
Classification: Likely pathogenic. Last evaluated: 2026-05-01. Review status: criteria provided, single submitter. Criteria: GeneDx Variant Classification Process June 2021. Collection method: clinical testing. Allele origin: germline.
Comment: Nonsense variant predicted to result in protein truncation, as the last 44 amino acid(s) are lost, and other loss-of-function variants have been reported downstream in HGMD; This variant is associated with the following publications: (PMID: 32860789, 31942411, 31243857, 34250384, 30753826, 34308366, 40335592, 9045706, 8990169, 9705289)

Labcorp Genetics (formerly Invitae), Labcorp
Classification: Pathogenic. Last evaluated: 2026-01-26. Review status: criteria provided, single submitter. Criteria: Invitae Variant Classification Sherloc (09022015). Collection method: clinical testing. Allele origin: germline.
Comment: This sequence change creates a premature translational stop signal (p.Trp269*) in the NTHL1 gene. While this is not anticipated to result in nonsense mediated decay, it is expected to disrupt the last 44 amino acid(s) of the NTHL1 protein. This variant is present in population databases (rs753029097, gnomAD 0.03%). This premature translational stop signal has been observed in individual(s) with rectal cancer or polyposis (PMID: 30753826). ClinVar contains an entry for this variant (Variation ID: 639573). This variant disrupts a region of the NTHL1 protein in which other variant(s) (p.Gln287*) have been determined to be pathogenic (PMID: 27329137, 28912133, 30753826; internal data). This suggests that this is a clinically significant region of the protein, and that variants that disrupt it are likely to be disease-causing. For these reasons, this variant has been classified as Pathogenic.

Otogenetics
Classification: Pathogenic for Familial adenomatous polyposis 3. Last evaluated: 2025-12-05. Review status: criteria provided, single submitter. Criteria: ACMG Guidelines, 2015. Collection method: clinical testing. Allele origin: germline.
Comment: PVS1: Stop gain variant introduces premature stop codon in gene with loss of function as mechanism of disease, removing more than 10% of the transcript; PM2: Maximum gnomAD MAF of 0.0298% in Ashkenazi Jewish (ASJ) subpopulation (<0.235% threshold); PM3: Variant reported in trans with 2 pathogenic variants in 2 individuals affected with NTHL-related adenomatous polyposis (PMID: 30753826)

Ambry Genetics
Classification: Likely pathogenic for Hereditary cancer-predisposing syndrome. Last evaluated: 2025-08-27. Review status: criteria provided, single submitter. Criteria: Ambry Variant Classification Scheme 2023. Collection method: clinical testing. Allele origin: germline.
Comment: The p.W269* variant (also known as c.806G>A), located in coding exon 5 of the NTHL1 gene, results from a G to A substitution at nucleotide position 806. This changes the amino acid from a tryptophan to a stop codon within coding exon 5. Premature stop codons are typically deleterious in nature, however, this stop codon occurs at the 3' terminus of NTHL1, is not expected to trigger nonsense-mediated mRNA decay, and removes the last 44 amino acids of the protein. The exact functional impact of these removed amino acids is unknown at this time; however, structural analysis suggests this alteration eliminates portions of the endonuclease domain necessary for binding DNA and forming the functionally important FeS cluster (Ambry internal data). This variant has been identified in trans with a pathogenic NTHL1 mutation in an individual with colonic polyposis and extra-colonic malignancies (Grolleman JE et al. Cancer Cell, 2019 Feb;35:256-266.e5). In addition, it has also identified in conjunction with a pathogenic NTHL1 mutation in individuals with colonic polyposis and colorectal cancer; however, the phase, whether in cis or trans, was not determined (Grolleman JE et al. Cancer Cell, 2019 Feb;35:256-266.e5; Staninova-Stojovska M et al. Balkan J. Med. Genet., 2019 Dec;22:5-16). Based on the majority of available evidence to date, this variant is likely to be pathogenic.

Quest Diagnostics Nichols Institute San Juan Capistrano
Classification: Likely pathogenic. Last evaluated: 2025-02-22. Review status: criteria provided, single submitter. Criteria: Quest Diagnostics criteria. Collection method: clinical testing. Allele origin: unknown.
Comment: The NTHL1 c.806G>A (p.Trp269*) variant is predicted to cause the premature termination of NTHL1 protein synthesis. This variant creates a premature termination codon near the terminal region of the NTHL1 gene where it is not expected to trigger nonsense-mediated decay of the affected transcript. However, the resulting disruption of approximately 14% of the coding sequence of the NTHL1 gene is predicted to impact protein structure or function. This variant has been reported in the published literature in individuals with multiple polyposis syndrome (PMID: 30753826 (2019), 31942411 (2019)). The variant was also observed in a child with sarcoma (PMID: 34250384 (2021)). The frequency of this variant in the general population (Genome Aggregation Database) is consistent with pathogenicity. Based on the available information, this variant is classified as likely pathogenic.

Blueprint Genetics
Classification: Pathogenic for NTHL1-related disorders. Last evaluated: 2024-08-01. Review status: criteria provided, single submitter. Criteria: ACMG Guidelines, 2015. Collection method: clinical testing. Allele origin: germline. Affected: yes. Observed: 1 variant allele.

Baylor Genetics
Classification: Pathogenic for Familial adenomatous polyposis 3. Last evaluated: 2024-02-09. Review status: criteria provided, single submitter. Criteria: ACMG Guidelines, 2015. Collection method: clinical testing. Allele origin: unknown.

Myriad Genetics, Inc.
Classification: Pathogenic for Familial adenomatous polyposis 3. Last evaluated: 2023-09-05. Review status: criteria provided, single submitter. Criteria: Myriad Autosomal Dominant, Autosomal Recessive and X-Linked Classification Criteria (2023). Collection method: clinical testing. Allele origin: unknown.
Comment: This variant is considered pathogenic. This variant creates a termination codon and is predicted to result in premature protein truncation.

Revvity Omics, Revvity
Classification: Likely pathogenic for Familial adenomatous polyposis 3. Last evaluated: 2020-09-24. Review status: criteria provided, single submitter. Criteria: ACMG Guidelines, 2015. Collection method: clinical testing. Allele origin: germline.

Literature cited by the submitters: PubMed 30753826 (cited by 4 submitters); PubMed 27329137 (cited by Labcorp Genetics (formerly Invitae), Labcorp); PubMed 28912133 (cited by Labcorp Genetics (formerly Invitae), Labcorp); PubMed 31942411 (cited by Ambry Genetics and Quest Diagnostics Nichols Institute San Juan Capistrano); PubMed 34250384 (cited by Quest Diagnostics Nichols Institute San Juan Capistrano).

NM_002528.7(NTHL1):c.782G>A (p.Trp261Ter)

Gene: NTHL1 (nth like DNA glycosylase 1; minus strand). Cytogenetic location: 16p13.3.
Variant type: single nucleotide variant.
Coding change: c.782G>A on transcript NM_002528.7 (MANE Select); coding-DNA position 782, G replaced by A.
Protein change: p.Trp261Ter; replaces tryptophan 261 with a stop codon.
Molecular consequence: nonsense.
Genome position (GRCh38, 1-based): chr16:2,040,142, C>T on the plus strand (G>A on the coding strand, the complement: NTHL1 is on the minus strand). VCF-style: chr16-2040142-C-T. GRCh37 (hg19) VCF-style: chr16-2090143-C-T.
Other names: c.782G>A, p.Trp261Ter (LRG_1366t1); c.611G>A, p.Trp204Ter (NM_001318193.2); c.452G>A, p.Trp151Ter (NM_001318194.2); short protein forms W151*, W204*, W261*.
Identifiers: ClinVar variation 639573 (VCV000639573.29), dbSNP rs753029097, ClinGen allele CA7828117.
Genomic context (GRCh38, chr16:2,040,142, plus strand): 5'-GGGCGGGCGGGGTGAGCTCTTCTCCCTAGGAAGCCCCCCACATACTCATACCTAGGCAGC[C>T]ACTCCTCCAGGGCGGCGCGGGTCTCCTCTGGGGACTTGGTTGCCTTCTTGGTCCACCTCA-3'